The following is an entry in ClinVar:

NM_000552.5(VWF):c.7025G>A (p.Arg2342His)

Gene: VWF (von Willebrand factor; minus strand). Cytogenetic location: 12p13.31.
Variant type: single nucleotide variant.
Coding change: c.7025G>A on transcript NM_000552.5 (MANE Select); coding-DNA position 7025, G replaced by A.
Protein change: p.Arg2342His; replaces arginine 2342 with histidine.
Molecular consequence: missense variant.
Genome position (GRCh38, 1-based): chr12:5,983,206, C>T on the plus strand (G>A on the coding strand, the complement: VWF is on the minus strand). VCF-style: chr12-5983206-C-T. GRCh37 (hg19) VCF-style: chr12-6092372-C-T.
Other names: short protein forms R2342H.
Identifiers: ClinVar variation 619754 (VCV000619754.19), dbSNP rs34120165, ClinGen allele CA6401800.

ClinVar aggregate classification (germline): Uncertain significance. Review status: criteria provided, multiple submitters, no conflicts (2 of 4 stars). 5 submissions from 5 submitters: Uncertain significance (5). Last evaluated 2024-06-07.

Conditions:
von Willebrand disease type 1 (VWD1). Also called: VON WILLEBRAND DISEASE, TYPE I; VWD, TYPE 1. Identifiers: Orphanet 166078, Orphanet 903, MedGen C1264039, MONDO:0008668, OMIM 193400. Inheritance: autosomal recessive or autosomal dominant.
von Willebrand disease type 3 (VWD3). Also called: Type 3 Von Willebrand's disease; Type 3 VWD; Von Willebrand disease, severe form; V WD3; VON WILLEBRAND DISEASE, TYPE III. Identifiers: Orphanet 166096, MedGen C1264041, MONDO:0010191, OMIM 277480.
von Willebrand disease type 2 (VWD2). Also called: VON WILLEBRAND DISEASE, TYPE 2A/IIE; VON WILLEBRAND DISEASE, TYPE 2CB; VON WILLEBRAND DISEASE, TYPE II; VWD, TYPE 2. Identifiers: Orphanet 166081, Orphanet 903, MedGen C1264040, MONDO:0013304, OMIM 613554.

Allele frequency attached by ClinVar (database versions not stated): ESP Exome Variant Server 0.00015; gnomAD 0.00027 and 0.00030; ExAC 0.00030; TOPMed 0.00034.
gnomAD v4.1: 339 of 1,613,928 alleles (0.021%); highest among the groups gnomAD compares: Admixed American, 0.055%; 1 homozygote.

Submissions (5):

ARUP Laboratories, Molecular Genetics and Genomics, ARUP Laboratories
Classification: Uncertain significance. Last evaluated: 2024-06-07. Review status: criteria provided, single submitter. Criteria: ARUP Molecular Germline Variant Investigation Process 2024. Collection method: clinical testing. Allele origin: germline.
Comment: The VWF c.7025G>A; p.Arg2342His variant (rs34120165, ClinVar Variation ID: 619754) is reported in the literature in at least one individual affected with von Willebrand disease (Borras 2017). This variant is found in the Ashkenazi Jewish population with an allele frequency of 0.68% (71/10360 alleles, including 1 homozygote) in the Genome Aggregation Database (v2.1.1). Computational analyses predict that this variant is neutral (REVEL: 0.028). Due to limited information, the clinical significance of this variant is uncertain at this time. References: Borras N et al. Molecular and clinical profile of von Willebrand disease in Spain (PCM-EVW-ES): comprehensive genetic analysis by next-generation sequencing of 480 patients. Haematologica. 2017 Dec;102(12):2005-2014. PMID: 28971901.

Women's Health and Genetics/Laboratory Corporation of America, LabCorp
Classification: Uncertain significance. Last evaluated: 2023-10-25. Review status: criteria provided, single submitter. Criteria: LabCorp Variant Classification Summary - May 2015. Collection method: clinical testing. Allele origin: germline.
Comment: Variant summary: VWF c.7025G>A (p.Arg2342His) results in a non-conservative amino acid change in the encoded protein sequence. Four of five in-silico tools predict a benign effect of the variant on protein function. The variant allele was found at a frequency of 0.00042 in 250688 control chromosomes in the gnomAD database, including one homozygote. c.7025G>A has been reported in the literature in one individual affected with Von Willebrand Disease (Borrs_2017). The report does not provide unequivocal conclusions about association of the variant with Von Willebrand Disease. To our knowledge, no experimental evidence demonstrating an impact on protein function has been reported. The following publication have been ascertained in the context of this evaluation (PMID: 28971901). Two submitters have cited clinical-significance assessments for this variant to ClinVar after 2014. All submitters classified the variant as uncertain significance. Based on the evidence outlined above, the variant was classified as uncertain significance.

GeneDx
Classification: Uncertain significance. Last evaluated: 2022-03-31. Review status: criteria provided, single submitter. Criteria: GeneDx Variant Classification Process June 2021. Collection method: clinical testing. Allele origin: germline. Affected: yes.
Comment: In silico analysis supports that this missense variant does not alter protein structure/function; Identified in an individual with a diagnosis of von Willebrand disease in published literature (Borras et al., 2017); This variant is associated with the following publications: (PMID: 28971901)

Department of Pathology and Laboratory Medicine, Sinai Health System
Classification: Uncertain significance for von Willebrand disease type 1; von Willebrand disease type 3; von Willebrand disease type 2. Last evaluated: 2021-07-30. Review status: criteria provided, single submitter. Criteria: ACMG Guidelines, 2015. Collection method: research. Allele origin: germline.

Quest Diagnostics Nichols Institute San Juan Capistrano
Classification: Uncertain significance. Last evaluated: 2018-06-18. Review status: criteria provided, single submitter. Criteria: Quest Diagnostics criteria. Collection method: clinical testing. Allele origin: germline.

Literature cited by the submitters: PubMed 28971901 (cited by Women's Health and Genetics/Laboratory Corporation of America, LabCorp).